The following is an entry in ClinVar:

ClinVar aggregate classification (germline): Uncertain significance (1 of 4 stars; one submission).

gnomAD v4.1: 31 of 1,613,808 alleles (0.0019%); highest among the groups gnomAD compares: Non-Finnish European, 0.0026%; no homozygotes.

Submission:

Greenwood Genetic Center Diagnostic Laboratories, Greenwood Genetic Center
Classification: Uncertain significance. Last evaluated: 2022-02-16. Review status: criteria provided, single submitter. Criteria: ACMG Guidelines, 2015. Collection method: clinical testing. Allele origin: germline. Affected: yes.
Comment: PP3

NM_014712.3(SETD1A):c.2392C>A (p.Leu798Met)

Gene: SETD1A (SET domain containing 1A, histone lysine methyltransferase; plus strand). Cytogenetic location: 16p11.2.
Variant type: single nucleotide variant.
Coding change: c.2392C>A on transcript NM_014712.3 (MANE Select); coding-DNA position 2392, C replaced by A.
Protein change: p.Leu798Met; replaces leucine 798 with methionine.
Molecular consequence: missense variant.
Genome position (GRCh38, 1-based): chr16:30,966,273, C>A. VCF-style: chr16-30966273-C-A. GRCh37 (hg19) VCF-style: chr16-30977594-C-A.
Other names: short protein forms L798M.
Identifiers: ClinVar variation 1676442 (VCV001676442.3), dbSNP rs368580223, ClinGen allele CA8016926.
Genomic context (GRCh38, chr16:30,966,273, plus strand): 5'-GAGCTGGCAGAGGGCAAGACCCTCCCGACAGCAGGCACCGTGGGCCGTGTGCTCGCCATG[C>A]TGGTCCAGGAGATGAAGAGCATCATGCAGCGAGACCTCAACCGCAAGATGGTGGAGAACG-3'
Protein context (NP_055527.1, residues 788-808): AGTVGRVLAM[Leu798Met]VQEMKSIMQR